The following is an entry in ClinVar:

NM_000059.4(BRCA2):c.9212A>T (p.Glu3071Val)

Gene: BRCA2 (BRCA2 DNA repair associated; plus strand). Cytogenetic location: 13q13.1.
Variant type: single nucleotide variant.
Coding change: c.9212A>T on transcript NM_000059.4 (MANE Select); coding-DNA position 9212, A replaced by T.
Protein change: p.Glu3071Val; replaces glutamic acid 3071 with valine.
Molecular consequence: missense variant. On other transcripts: non-coding transcript variant (1).
Genome position (GRCh38, 1-based): chr13:32,380,101, A>T. VCF-style: chr13-32380101-A-T. GRCh37 (hg19) VCF-style: chr13-32954238-A-T.
Other names: c.9116A>T, p.Glu3039Val (NM_001406719.1); c.9161A>T, p.Glu3054Val (NM_001406720.1); c.4280A>T, p.Glu1427Val (NM_001406721.1); c.2795A>T, p.Glu932Val (NM_001406722.1); short protein forms E1427V, E932V, E3054V, E3071V, E3039V.
Identifiers: ClinVar variation 2586275 (VCV002586275.5), dbSNP rs2137625443, ClinGen allele CA387758373.

ClinVar aggregate classification (germline): Uncertain significance. Review status: criteria provided, multiple submitters, no conflicts (2 of 4 stars). 2 submissions from 2 submitters: Uncertain significance (2). Last evaluated 2024-01-11.

Conditions:
Hereditary breast ovarian cancer syndrome. Also called: BRCA1- and BRCA2-Associated Hereditary Breast and Ovarian Cancer; Hereditary breast and ovarian cancer; Hereditary breast and ovarian cancer syndrome (HBOC); Breast and ovarian cancer; Hereditary breast and ovarian cancer syndrome; Hereditary breast and/or ovarian cancer syndrome. Identifiers: Orphanet 145, MedGen C0677776, MeSH D061325, MONDO:0003582. Disease mechanism: loss of function.
Hereditary cancer-predisposing syndrome. Also called: Hereditary neoplastic syndrome; Tumor predisposition; Hereditary Cancer Syndrome; Neoplastic Syndromes, Hereditary. Identifiers: Orphanet 140162, MedGen C0027672, MeSH D009386, MONDO:0015356.

Submissions (2):

Labcorp Genetics (formerly Invitae), Labcorp
Classification: Uncertain significance for Hereditary breast ovarian cancer syndrome. Last evaluated: 2024-01-11. Review status: criteria provided, single submitter. Criteria: Invitae Variant Classification Sherloc (09022015). Collection method: clinical testing. Allele origin: germline.
Comment: This sequence change replaces glutamic acid, which is acidic and polar, with valine, which is neutral and non-polar, at codon 3071 of the BRCA2 protein (p.Glu3071Val). This variant is not present in population databases (gnomAD no frequency). This variant has not been reported in the literature in individuals affected with BRCA2-related conditions. ClinVar contains an entry for this variant (Variation ID: 2586275). Advanced modeling of protein sequence and biophysical properties (such as structural, functional, and spatial information, amino acid conservation, physicochemical variation, residue mobility, and thermodynamic stability) has been performed at Invitae for this missense variant, however the output from this modeling did not meet the statistical confidence thresholds required to predict the impact of this variant on BRCA2 protein function. In summary, the available evidence is currently insufficient to determine the role of this variant in disease. Therefore, it has been classified as a Variant of Uncertain Significance.

Ambry Genetics
Classification: Uncertain significance for Hereditary cancer-predisposing syndrome. Last evaluated: 2023-06-24. Review status: criteria provided, single submitter. Criteria: Ambry Variant Classification Scheme 2023. Collection method: clinical testing. Allele origin: germline.
Comment: The p.E3071V variant (also known as c.9212A>T), located in coding exon 23 of the BRCA2 gene, results from an A to T substitution at nucleotide position 9212. The glutamic acid at codon 3071 is replaced by valine, an amino acid with dissimilar properties. This amino acid position is conserved. In addition, this alteration is predicted to be deleterious by in silico analysis. Since supporting evidence is limited at this time, the clinical significance of this alteration remains unclear.